The following is an entry in ClinVar:

ClinVar aggregate classification (germline): Benign. Review status: criteria provided, multiple submitters, no conflicts (2 of 4 stars). 5 submissions from 5 submitters: Benign (2). 3 of the submissions do not count toward it. Last evaluated 2026-02-04.

Conditions:
SORL1-related disorder. Also called: SORL1-related condition.

Allele frequency attached by ClinVar (database versions not stated): 1000 Genomes Project 30x 0.44660; ExAC 0.48929; gnomAD 0.50356 and 0.50919; TOPMed 0.50750; ESP Exome Variant Server 0.51377; 1000 Genomes Project 0.44369.
gnomAD v4.1: 806,583 of 1,612,730 alleles (50%); highest among the groups gnomAD compares: Middle Eastern, 60%; 203,278 homozygotes.

Submissions (5):

Labcorp Genetics (formerly Invitae), Labcorp
Classification: Benign. Last evaluated: 2026-02-04. Review status: criteria provided, single submitter. Criteria: Invitae Variant Classification Sherloc (09022015). Collection method: clinical testing. Allele origin: germline.

Breakthrough Genomics
Classification: Benign. Review status: criteria provided, single submitter. Criteria: ACMG Guidelines, 2015. Collection method: not provided. Allele origin: germline. Inheritance: Unknown mechanism. Affected: yes.

PreventionGenetics, part of Exact Sciences
Classification: Benign for SORL1-related condition. Last evaluated: 2019-10-17. Review status: no assertion criteria provided. Collection method: clinical testing. Allele origin: germline. Not counted in ClinVar's aggregate classification.
Comment: This variant is classified as benign based on ACMG/AMP sequence variant interpretation guidelines (Richards et al. 2015 PMID: 25741868, with internal and published modifications).

Clinical Genetics DNA and cytogenetics Diagnostics Lab, Erasmus MC, Erasmus Medical Center
Classification: Benign. Review status: no assertion criteria provided. Collection method: clinical testing. Allele origin: germline. Affected: yes. Study: VKGL Data-share Consensus. Not counted in ClinVar's aggregate classification.

Genome Diagnostics Laboratory, Amsterdam University Medical Center
Classification: Benign. Review status: no assertion criteria provided. Collection method: clinical testing. Allele origin: germline. Affected: yes. Study: VKGL Data-share Consensus. Not counted in ClinVar's aggregate classification.

NM_003105.6(SORL1):c.807T>C (p.His269=)

Gene: SORL1 (sortilin related receptor 1; plus strand). Cytogenetic location: 11q24.1.
Variant type: single nucleotide variant.
Coding change: c.807T>C on transcript NM_003105.6 (MANE Select); coding-DNA position 807, T replaced by C.
Protein change: p.His269=; no amino-acid change (histidine 269 retained).
Molecular consequence: synonymous variant.
Genome position (GRCh38, 1-based): chr11:121,496,917, T>C. VCF-style: chr11-121496917-T-C. GRCh37 (hg19) VCF-style: chr11-121367626-T-C.
Other names: c.807T>C (NM_003105.5).
Identifiers: ClinVar variation 1209921 (VCV001209921.13), dbSNP rs12364988, ClinGen allele CA6328479.